The following is an entry in ClinVar:

NM_001349253.2(SCN11A):c.3730G>C (p.Gly1244Arg)

Genes: SCN11A (sodium voltage-gated channel alpha subunit 11; minus strand), LOC126806652 (CDK7 strongly-dependent group 2 enhancer GRCh37_chr3:38912374-38913573; plus strand). Cytogenetic location: 3p22.2.
Variant type: single nucleotide variant.
Coding change: c.3730G>C on transcript NM_001349253.2 (MANE Select); coding-DNA position 3730, G replaced by C.
Protein change: p.Gly1244Arg; replaces glycine 1244 with arginine.
Molecular consequence: missense variant.
Genome position (GRCh38, 1-based): chr3:38,871,474, C>G on the plus strand (G>C on the coding strand, the complement: SCN11A is on the minus strand). VCF-style: chr3-38871474-C-G. GRCh37 (hg19) VCF-style: chr3-38912965-C-G.
Other names: c.3730G>C, p.Gly1244Arg (NM_014139.3); short protein forms G1244R.
Identifiers: ClinVar variation 2066987 (VCV002066987.4), dbSNP rs771525253, ClinGen allele CA352170381.
Genomic context (GRCh38, chr3:38,871,474, plus strand): 5'-TCAGAGTGAAAAACATACTGACTGTACTTACCACTTGCAGCAGAGCGAGGTAAGCATTTC[C>G]CACATTGTCAAAGTTGACTTTCTGGTTGATCCAAGAGAAATTGCCACTTTCACATTGACT-3'
Protein context (NP_001336182.1, residues 1234-1254): INQKVNFDNV[Gly1244Arg]NAYLALLQVA

ClinVar aggregate classification (germline): Uncertain significance (1 of 4 stars; one submission).

Conditions:
Familial episodic pain syndrome with predominantly lower limb involvement. Also called: Episodic pain syndrome, familial, 3. Identifiers: Orphanet 391384, Orphanet 391392, MedGen C3809899, MONDO:0014247, OMIM 615552.
Hereditary sensory and autonomic neuropathy type 7. Also called: Neuropathy, hereditary sensory and autonomic, type VII; HSAN VII. Identifiers: Orphanet 391397, MedGen C3809882, MONDO:0014244, OMIM 615548.

Submission:

Labcorp Genetics (formerly Invitae), Labcorp
Classification: Uncertain significance for Familial episodic pain syndrome with predominantly lower limb involvement; Hereditary sensory and autonomic neuropathy type 7. Last evaluated: 2022-07-22. Review status: criteria provided, single submitter. Criteria: Invitae Variant Classification Sherloc (09022015). Collection method: clinical testing. Allele origin: germline.
Comment: In summary, the available evidence is currently insufficient to determine the role of this variant in disease. Therefore, it has been classified as a Variant of Uncertain Significance. Algorithms developed to predict the effect of missense changes on protein structure and function (SIFT, PolyPhen-2, Align-GVGD) all suggest that this variant is likely to be disruptive. This variant has not been reported in the literature in individuals affected with SCN11A-related conditions. This variant is not present in population databases (gnomAD no frequency). This sequence change replaces glycine, which is neutral and non-polar, with arginine, which is basic and polar, at codon 1244 of the SCN11A protein (p.Gly1244Arg).